The following is an entry in ClinVar:

NM_020366.4(RPGRIP1):c.1475A>G (p.Glu492Gly)

Gene: RPGRIP1 (RPGR interacting protein 1; plus strand). Cytogenetic location: 14q11.2.
Variant type: single nucleotide variant.
Coding change: c.1475A>G on transcript NM_020366.4 (MANE Select); coding-DNA position 1475, A replaced by G.
Protein change: p.Glu492Gly; replaces glutamic acid 492 with glycine.
Molecular consequence: missense variant. On other transcripts: 5 prime UTR variant (1).
Genome position (GRCh38, 1-based): chr14:21,321,266, A>G. VCF-style: chr14-21321266-A-G. GRCh37 (hg19) VCF-style: chr14-21789425-A-G.
Other names: c.401A>G, p.Glu134Gly (NM_001377523.1, NM_001377948.1, NM_001377949.1 and 1 more transcripts); c.-98A>G (NM_001377951.1); short protein forms E134G, E492G.
Identifiers: ClinVar variation 1005447 (VCV001005447.6), dbSNP rs1161752701, ClinGen allele CA388865094.

ClinVar aggregate classification (germline): Uncertain significance (1 of 4 stars; one submission).

Conditions:
Cone-rod dystrophy 13 (CORD13). Identifiers: Orphanet 1872, MedGen C2750720, MONDO:0011987, OMIM 608194.
Leber congenital amaurosis 6 (LCA6). Identifiers: Orphanet 65, MedGen C1854260, MONDO:0013446, OMIM 613826.

Allele frequency attached by ClinVar (database versions not stated): gnomAD exomes below 0.00001 and 0.00001.
gnomAD v4.1: 2 of 1,612,898 alleles (0.00012%); highest among the groups gnomAD compares: Admixed American, 0.0033%; no homozygotes.

Submission:

Labcorp Genetics (formerly Invitae), Labcorp
Classification: Uncertain significance for Leber congenital amaurosis 6; Cone-rod dystrophy 13. Last evaluated: 2022-08-09. Review status: criteria provided, single submitter. Criteria: Invitae Variant Classification Sherloc (09022015). Collection method: clinical testing. Allele origin: germline.
Comment: This sequence change replaces glutamic acid, which is acidic and polar, with glycine, which is neutral and non-polar, at codon 492 of the RPGRIP1 protein (p.Glu492Gly). This variant is present in population databases (no rsID available, gnomAD 0.003%). This variant has not been reported in the literature in individuals affected with RPGRIP1-related conditions. ClinVar contains an entry for this variant (Variation ID: 1005447). Algorithms developed to predict the effect of missense changes on protein structure and function (SIFT, PolyPhen-2, Align-GVGD) all suggest that this variant is likely to be tolerated. In summary, the available evidence is currently insufficient to determine the role of this variant in disease. Therefore, it has been classified as a Variant of Uncertain Significance.